The following is an entry in ClinVar:

ClinVar aggregate classification (germline): Uncertain significance (1 of 4 stars; one submission).

Conditions:
Hypertrophic cardiomyopathy. Also called: HYPERTROPHIC MYOCARDIOPATHY. Identifiers: Orphanet 217569, MedGen C0007194, MeSH D002312, MONDO:0005045, HP:0001639.

Submission:

Labcorp Genetics (formerly Invitae), Labcorp
Classification: Uncertain significance for Hypertrophic cardiomyopathy. Last evaluated: 2025-08-31. Review status: criteria provided, single submitter. Criteria: Invitae Variant Classification Sherloc (09022015). Collection method: clinical testing. Allele origin: germline.
Comment: This sequence change replaces arginine, which is basic and polar, with proline, which is neutral and non-polar, at codon 668 of the MYBPC3 protein (p.Arg668Pro). This variant is not present in population databases (gnomAD no frequency). This missense change has been observed in individual(s) with hypertrophic cardiomyopathy (PMID: 12974739, 23711808). ClinVar contains an entry for this variant (Variation ID: 2735594). An algorithm developed to predict the effect of missense changes on protein structure and function (PolyPhen-2) suggests that this variant is likely to be disruptive. This variant disrupts the p.Arg668 amino acid residue in MYBPC3. Other variant(s) that disrupt this residue have been determined to be pathogenic (PMID: 12818575, 15563892, 19134269, 20359594, 25335496, 28790153). This suggests that this residue is clinically significant, and that variants that disrupt this residue are likely to be disease-causing. In summary, the available evidence is currently insufficient to determine the role of this variant in disease. Therefore, it has been classified as a Variant of Uncertain Significance.

Literature cited by the submitters: PubMed 12974739; PubMed 23711808; PubMed 12818575; PubMed 15563892; PubMed 19134269; PubMed 20359594; PubMed 25335496; PubMed 28790153.

NM_000256.3(MYBPC3):c.2003G>C (p.Arg668Pro)

Gene: MYBPC3 (myosin binding protein C3; minus strand). Cytogenetic location: 11p11.2.
Variant type: single nucleotide variant.
Coding change: c.2003G>C on transcript NM_000256.3 (MANE Select); coding-DNA position 2003, G replaced by C.
Protein change: p.Arg668Pro; replaces arginine 668 with proline.
Molecular consequence: missense variant.
Genome position (GRCh38, 1-based): chr11:47,339,715, C>G on the plus strand (G>C on the coding strand, the complement: MYBPC3 is on the minus strand). VCF-style: chr11-47339715-C-G. GRCh37 (hg19) VCF-style: chr11-47361266-C-G.
Other names: short protein forms R668P.
Identifiers: ClinVar variation 2735594 (VCV002735594.3), dbSNP rs727503191, ClinGen allele CA380321656.
Genomic context (GRCh38, chr11:47,339,715, plus strand): 5'-GTGATAGCCTTCTGCCAGATCACAGTGGGAGCAGGGTCCCCAGAGATAGGGACGTCCAGA[C>G]GTAGCTTATTTCCAGCTACAACCACAATGGTGTCTGGTATGCGGCCTGGGCAGTCCAGGT-3'
Protein context (NP_000247.2, residues 658-678): TIVVVAGNKL[Arg668Pro]LDVPISGDPA